The following is an entry in ClinVar:

ClinVar aggregate classification (germline): Pathogenic/Likely pathogenic. Review status: criteria provided, multiple submitters, no conflicts (2 of 4 stars). 6 submissions from 6 submitters: Pathogenic (3); Likely pathogenic (3). Last evaluated 2025-08-21.

Conditions:
BBS10-related disorder. Also called: BBS10-related condition.
Bardet-Biedl syndrome (BBS). Identifiers: Orphanet 110, MedGen C0752166, MONDO:0015229.
Bardet-Biedl syndrome 10 (BBS10). Identifiers: Orphanet 110, MedGen C1859568, MONDO:0014438, OMIM 615987.

Allele frequency attached by ClinVar (database versions not stated): gnomAD exomes below 0.00001 and 0.00001; TOPMed below 0.00001; gnomAD 0.00001.

Submissions (6):

Natera, Inc.
Classification: Likely pathogenic for Bardet-Biedl syndrome type 10. Last evaluated: 2025-08-21. Review status: criteria provided, single submitter. Criteria: Natera Variant Classification Schema (03/2026). Collection method: clinical testing. Allele origin: germline.
Comment: The c.1495G>T variant in BBS10 is a nonsense variant predicted to introduce a stop codon at amino acid 499. This variant is expected to result in nonsense mediated decay, truncation, or a dysfunctional protein product. This variant is rare in the general population with a frequency below the threshold expected for the associated phenotype(s). This variant has been observed in one or more individuals affected with the associated recessive disease, as either homozygous or compound heterozygous with a second variant (PMID: 21642631). Given the available evidence, this variant is classified as Likely Pathogenic.

Fulgent Genetics
Classification: Likely pathogenic for Bardet-Biedl syndrome 10. Last evaluated: 2024-06-09. Review status: criteria provided, single submitter. Criteria: ACMG Guidelines, 2015. Collection method: clinical testing. Allele origin: germline.

Labcorp Genetics (formerly Invitae), Labcorp
Classification: Pathogenic for Bardet-Biedl syndrome. Last evaluated: 2023-09-21. Review status: criteria provided, single submitter. Criteria: Invitae Variant Classification Sherloc (09022015). Collection method: clinical testing. Allele origin: germline.
Comment: ClinVar contains an entry for this variant (Variation ID: 434487). This sequence change creates a premature translational stop signal (p.Glu499*) in the BBS10 gene. While this is not anticipated to result in nonsense mediated decay, it is expected to disrupt the last 225 amino acid(s) of the BBS10 protein. This variant is present in population databases (no rsID available, gnomAD 0.0009%). This premature translational stop signal has been observed in individual(s) with Bardet-Biedl syndrome (PMID: 21642631). This variant disrupts a region of the BBS10 protein in which other variant(s) (p.Gly677Valfs*5) have been determined to be pathogenic (PMID: 20472660, 22773737, 25982971, 27486776; Invitae). This suggests that this is a clinically significant region of the protein, and that variants that disrupt it are likely to be disease-causing. For these reasons, this variant has been classified as Pathogenic.

Blueprint Genetics
Classification: Likely pathogenic for BBS10-related disorders. Last evaluated: 2021-07-05. Review status: criteria provided, single submitter. Criteria: ACMG Guidelines, 2015. Collection method: clinical testing. Allele origin: germline. Affected: yes. Observed: 1 variant allele.

Women's Health and Genetics/Laboratory Corporation of America, LabCorp
Classification: Pathogenic for Bardet-Biedl syndrome. Last evaluated: 2019-07-22. Review status: criteria provided, single submitter. Criteria: LabCorp Variant Classification Summary - May 2015. Collection method: clinical testing. Allele origin: germline.
Comment: Variant summary: BBS10 c.1495G>T (p.Glu499X) results in a premature termination codon, predicted to cause a truncation of the encoded protein or absence of the protein due to nonsense mediated decay, which are commonly known mechanisms for disease. Truncations downstream of this position have been classified as pathogenic by our laboratory. The variant allele was found at a frequency of 4e-06 in 251446 control chromosomes (gnomAD and publication). c.1495G>T has been reported in the literature in individuals affected with Bardet-Biedl Syndrome and ciliopathy (Chen_2011) and Recessive Ciliopathy (Consugar_2015). These data do not allow any conclusion about variant significance. To our knowledge, no experimental evidence demonstrating an impact on protein function has been reported. A ClinVar submission (evaluation after 2014) cites the variant as pathogenic. Based on the evidence outlined above, the variant was classified as pathogenic.

Genetic Services Laboratory, University of Chicago
Classification: Pathogenic for Bardet-Biedl syndrome 10. Last evaluated: 2016-03-15. Review status: criteria provided, single submitter. Criteria: ACMG Guidelines, 2015. Collection method: clinical testing. Allele origin: germline. Affected: yes.

Literature cited by the submitters: PubMed 21642631 (cited by 3 submitters); PubMed 20472660 (cited by Labcorp Genetics (formerly Invitae), Labcorp); PubMed 22773737 (cited by Labcorp Genetics (formerly Invitae), Labcorp); PubMed 25982971 (cited by Labcorp Genetics (formerly Invitae), Labcorp); PubMed 27486776 (cited by Labcorp Genetics (formerly Invitae), Labcorp); PubMed 25412400 (cited by Women's Health and Genetics/Laboratory Corporation of America, LabCorp); PubMed 27533158 (cited by Women's Health and Genetics/Laboratory Corporation of America, LabCorp).

NM_024685.4(BBS10):c.1495G>T (p.Glu499Ter)

Gene: BBS10 (Bardet-Biedl syndrome 10; minus strand). Cytogenetic location: 12q21.2.
Variant type: single nucleotide variant.
Coding change: c.1495G>T on transcript NM_024685.4 (MANE Select); coding-DNA position 1495, G replaced by T.
Protein change: p.Glu499Ter; replaces glutamic acid 499 with a stop codon.
Molecular consequence: nonsense.
Genome position (GRCh38, 1-based): chr12:76,346,490, C>A on the plus strand (G>T on the coding strand, the complement: BBS10 is on the minus strand). VCF-style: chr12-76346490-C-A. GRCh37 (hg19) VCF-style: chr12-76740270-C-A.
Other names: c.1495G>T, p.Glu499Ter (LRG_1255t1); short protein forms E499*.
Identifiers: ClinVar variation 434487 (VCV000434487.22), dbSNP rs898539189, ClinGen allele CA239331757.
Genomic context (GRCh38, chr12:76,346,490, plus strand): 5'-TTTGGAATGTATCTGTTGGTGTCAGTGTGGGGGTTGAATACGGAATATATGTTTCTAATT[C>A]TACATCTGGAATTACCAAATTAGAATGTACTTTTAAATATGTTTGAGTTTTTTCCAATGC-3'